The following is an entry in ClinVar:

ClinVar aggregate classification (germline): Pathogenic. Review status: criteria provided, multiple submitters, no conflicts (2 of 4 stars). 2 submissions from 2 submitters: Pathogenic (2). Last evaluated 2019-01-31.

Conditions:
Cardiovascular phenotype. Identifiers: MedGen CN230736.
Hereditary hemorrhagic telangiectasia (HHT). Also called: ORW DISEASE; Osler Weber Rendu syndrome; OSLER-RENDU-WEBER DISEASE; Osler hemorrhagic telangiectasia syndrome. Identifiers: Orphanet 774, MedGen C0039445, MONDO:0019180. Disease mechanism: loss of function.

Submissions (2):

Ambry Genetics
Classification: Pathogenic for Cardiovascular phenotype. Last evaluated: 2019-01-31. Review status: criteria provided, single submitter. Criteria: Ambry Variant Classification Scheme 2023. Collection method: clinical testing. Allele origin: germline.
Comment: The c.904dupG pathogenic mutation, located in coding exon 7 of the ENG gene, results from a duplication of G at nucleotide position 904, causing a translational frameshift with a predicted alternate stop codon (p.E302Gfs*32). This mutation was seen in a patient with telangiectasia, pulmonary AVMs, and two episodes of stroke (Cymerman U et al. Hum. Mutat., 2003 May;21:482-92). In addition to the clinical data presented in the literature, this alteration is expected to result in loss of function by premature protein truncation or nonsense-mediated mRNA decay. As such, this alteration is interpreted as a disease-causing mutation.

Labcorp Genetics (formerly Invitae), Labcorp
Classification: Pathogenic for Hereditary hemorrhagic telangiectasia. Last evaluated: 2017-05-20. Review status: criteria provided, single submitter. Criteria: Invitae Variant Classification Sherloc (09022015). Collection method: clinical testing. Allele origin: germline.
Comment: This sequence change creates a premature translational stop signal (p.Glu302Glyfs*32) in the ENG gene. It is expected to result in an absent or disrupted protein product. This variant has been reported in an individual affected with hereditary hemorrhagic telangiectasia (PMID: 20414677). This variant is also known as 904insG in the literature. Loss-of-function variants in ENG are known to be pathogenic (PMID: PMID: 21158752, 12673790). For these reasons, this variant has been classified as Pathogenic.

Literature cited by the submitters: PubMed 12673790 (cited by Ambry Genetics and Labcorp Genetics (formerly Invitae), Labcorp); PubMed 20414677 (cited by Labcorp Genetics (formerly Invitae), Labcorp); PubMed 21158752 (cited by Labcorp Genetics (formerly Invitae), Labcorp).

NM_001114753.3(ENG):c.904dup (p.Glu302fs)

Gene: ENG (endoglin; minus strand). Cytogenetic location: 9q34.11.
Variant type: Duplication.
Coding change: c.904dup on transcript NM_001114753.3 (MANE Select); coding-DNA position 904, one base duplicated (G; older notation c.904dupG).
Protein change: p.Glu302fs; shifts the reading frame from glutamic acid 302.
Molecular consequence: frameshift variant.
Genome position (GRCh38, 1-based): chr9:127,824,887, C duplicated on the plus strand (G on the coding strand, the reverse complement: ENG is on the minus strand); the first of 5 consecutive C bases (chr9:127,824,887-127,824,891); duplicating any one gives the same sequence. VCF-style (leftmost placement, unchanged base first): chr9-127824886-T-TC. GRCh37 (hg19) VCF-style: chr9-130587165-T-TC.
Other names: c.900dup, p.Glu302Glyfs (NM_000118.4, NM_001406715.1); c.358dup, p.Glu120fs (NM_001278138.2); c.904dupG (NM_000118.3); short protein forms E120fs, E302fs.
Identifiers: ClinVar variation 458356 (VCV000458356.13), dbSNP rs1554810177, ClinGen allele CA658656033.